The following is an entry in ClinVar:

NM_201384.3(PLEC):c.5337C>T (p.Arg1779=)

Gene: PLEC (plectin; minus strand). Cytogenetic location: 8q24.3.
Variant type: single nucleotide variant.
Coding change: c.5337C>T on transcript NM_201384.3 (MANE Select); coding-DNA position 5337, C replaced by T.
Protein change: p.Arg1779=; no amino-acid change (arginine 1779 retained).
Molecular consequence: synonymous variant. On other transcripts: intron variant (1).
Genome position (GRCh38, 1-based): chr8:143,924,592, G>A on the plus strand (C>T on the coding strand, the complement: PLEC is on the minus strand). VCF-style: chr8-143924592-G-A. GRCh37 (hg19) VCF-style: chr8-144998760-G-A.
Other names: c.5418C>T (NM_000445.4); c.5418C>T, p.Arg1806= (NM_000445.5); c.5295C>T, p.Arg1765= (NM_201378.4); c.5271C>T, p.Arg1757= (NM_201379.3); c.5748C>T, p.Arg1916= (NM_201380.4); c.5241C>T, p.Arg1747= (NM_201381.3); c.5337C>T, p.Arg1779= (NM_201382.4); c.5349C>T, p.Arg1783= (NM_201383.3); and 1 more.
Identifiers: ClinVar variation 2925330 (VCV002925330.4), dbSNP rs1554698245, ClinGen allele CA463534762.

ClinVar aggregate classification (germline): Likely benign. Review status: criteria provided, multiple submitters, no conflicts (2 of 4 stars). 2 submissions from 2 submitters: Likely benign (2). Last evaluated 2026-05-16.

Conditions:
PLEC-related disorder. Also called: PLEC-related condition; PLEC-related disorders.
Epidermolysis bullosa simplex, Ogna type (EBS5A). Also called: Pidermolysis bullosa simplex 5A, Ogna type; EPIDERMOLYSIS BULLOSA SIMPLEX 5A, OGNA TYPE. Identifiers: Orphanet 79401, MedGen C0432317, MONDO:0007555, OMIM 131950.
Autosomal recessive limb-girdle muscular dystrophy type 2Q (LGMDR17). Also called: MUSCULAR DYSTROPHY, LIMB-GIRDLE, AUTOSOMAL RECESSIVE 17. Identifiers: Orphanet 254361, MedGen C3150989, MONDO:0013390, OMIM 613723.
Epidermolysis bullosa simplex with nail dystrophy (EBS5D). Identifiers: MedGen C4225309, MONDO:0014661, OMIM 616487.
Epidermolysis bullosa simplex 5C, with pyloric atresia (EBS5C). Also called: PLEC-Related Epidermolysis Bullosa with Pyloric Atresia; Epidermolysis bullosa simplex with pyloric atresia; PLEC1-Related Epidermolysis Bullosa with Pyloric Atresia. Identifiers: Orphanet 158684, MedGen C2677349, MONDO:0012807, OMIM 612138.
Epidermolysis bullosa simplex 5B, with muscular dystrophy (EBS5B). Also called: Epidermolysis bullosa simplex with muscular dystrophy; EPIDERMOLYSIS BULLOSA SIMPLEX AND LIMB-GIRDLE MUSCULAR DYSTROPHY. Identifiers: Orphanet 257, MedGen C2931072, MONDO:0009181, OMIM 226670.

Allele frequency attached by ClinVar (database versions not stated): gnomAD exomes below 0.00001; TOPMed below 0.00001.
gnomAD v4.1: 1 of 1,549,656 alleles (0.000065%); highest among the groups gnomAD compares: Non-Finnish European, 0.000087%; no homozygotes.

Submissions (2):

PreventionGenetics, part of Exact Sciences
Classification: Likely benign for PLEC-related condition. Last evaluated: 2026-05-16. Review status: criteria provided, single submitter. Criteria: ACMG Guidelines, 2015. Collection method: clinical testing. Allele origin: germline.
Comment: This variant is classified as likely benign based on ACMG/AMP sequence variant interpretation guidelines (Richards et al. 2015 PMID: 25741868, with internal and published modifications).

Labcorp Genetics (formerly Invitae), Labcorp
Classification: Likely benign for Autosomal recessive limb-girdle muscular dystrophy type 2Q; Epidermolysis bullosa simplex, Ogna type; Epidermolysis bullosa simplex with nail dystrophy; Epidermolysis bullosa simplex 5C, with pyloric atresia; Epidermolysis bullosa simplex 5B, with muscular dystrophy. Last evaluated: 2023-11-27. Review status: criteria provided, single submitter. Criteria: Invitae Variant Classification Sherloc (09022015). Collection method: clinical testing. Allele origin: germline.